The following is an entry in ClinVar:

NM_201548.5(CERKL):c.*1345G>A

Genes: CERKL (CERK like autophagy regulator; minus strand), ITGA4 (integrin subunit alpha 4; plus strand). Cytogenetic location: 2q31.3.
Variant type: single nucleotide variant.
Coding change: c.*1345G>A on transcript NM_201548.5 (MANE Select); 1345 bases downstream of the stop codon, G replaced by A.
Molecular consequence: 3 prime UTR variant. On other transcripts: non-coding transcript variant (2).
Genome position (GRCh38, 1-based): chr2:181,536,839, C>T on the plus strand (G>A on the coding strand, the complement: CERKL is on the minus strand). VCF-style: chr2-181536839-C-T. GRCh37 (hg19) VCF-style: chr2-182401566-C-T.
Other names: c.*1312C>T (NM_000885.6); c.*1345G>A (NM_001030311.3, NM_001030312.3, NM_001030313.3 and 1 more transcripts).
Identifiers: ClinVar variation 332979 (VCV000332979.6), dbSNP rs2368214, ClinGen allele CA2010230.

ClinVar aggregate classification (germline): Benign. Review status: criteria provided, multiple submitters, no conflicts (2 of 4 stars). 2 submissions from 2 submitters: Benign (2). Last evaluated 2018-01-13.

Conditions:
Retinitis pigmentosa (RP). Identifiers: Orphanet 791, MedGen C0035334, MeSH D012174, MONDO:0019200, OMIM 268000. Inheritance: Autosomal dominant, autosomal recessive and X linked inheritance.

Allele frequency attached by ClinVar (database versions not stated): 1000 Genomes Project 0.99141; 1000 Genomes Project 30x 0.99204; TOPMed 0.99225; gnomAD 0.99254 and 0.99299; gnomAD exomes 0.99804 and 0.99900; ExAC 0.99826.
gnomAD v4.1: 387,187 of 388,496 alleles (100%); highest among the groups gnomAD compares: Non-Finnish European, 100%; 192,962 homozygotes.

Submissions (2):

Illumina Laboratory Services, Illumina
Classification: Benign for Retinitis pigmentosa. Last evaluated: 2018-01-13. Review status: criteria provided, single submitter. Criteria: ICSL Variant Classification Criteria 13 December 2019. Collection method: clinical testing. Allele origin: germline.
Comment: This variant was observed in the ICSL laboratory as part of a predisposition screen in an ostensibly healthy population. It had not been previously curated by ICSL or reported in the Human Gene Mutation Database (HGMD: prior to June 1st, 2018), and was therefore a candidate for classification through an automated scoring system. Utilizing variant allele frequency, disease prevalence and penetrance estimates, and inheritance mode, an automated score was calculated to assess if this variant is too frequent to cause the disease. Based on the score and internal cut-off values, a variant classified as benign is not then subjected to further curation. The score for this variant resulted in a classification of benign for this disease.

Breakthrough Genomics
Classification: Benign. Review status: criteria provided, single submitter. Criteria: ACMG Guidelines, 2015. Collection method: not provided. Allele origin: germline. Inheritance: Autosomal recessive inheritance. Affected: yes.